The following is an entry in ClinVar:

NM_001098426.2(SMARCD2):c.805A>G (p.Asn269Asp)

Gene: SMARCD2 (SWI/SNF related BAF chromatin remodeling complex subunit D2; minus strand). Cytogenetic location: 17q23.3.
Variant type: single nucleotide variant.
Coding change: c.805A>G on transcript NM_001098426.2 (MANE Select); coding-DNA position 805, A replaced by G.
Protein change: p.Asn269Asp; replaces asparagine 269 with aspartic acid.
Molecular consequence: missense variant.
Genome position (GRCh38, 1-based): chr17:63,834,719, T>C on the plus strand (A>G on the coding strand, the complement: SMARCD2 is on the minus strand). VCF-style: chr17-63834719-T-C. GRCh37 (hg19) VCF-style: chr17-61912079-T-C.
Other names: c.580A>G, p.Asn194Asp (NM_001330439.1); c.661A>G, p.Asn221Asp (NM_001330440.2); short protein forms N194D, N221D, N269D.
Identifiers: ClinVar variation 1488196 (VCV001488196.3), dbSNP rs1130100, ClinGen allele CA292953054.

ClinVar aggregate classification (germline): Uncertain significance (1 of 4 stars; one submission).

Allele frequency attached by ClinVar (database versions not stated): TOPMed below 0.00001; gnomAD exomes 0.00001 and 0.00002.
gnomAD v4.1: 32 of 1,612,800 alleles (0.002%); highest among the groups gnomAD compares: Non-Finnish European, 0.0027%; no homozygotes.

Submission:

Labcorp Genetics (formerly Invitae), Labcorp
Classification: Uncertain significance. Last evaluated: 2021-09-03. Review status: criteria provided, single submitter. Criteria: Invitae Variant Classification Sherloc (09022015). Collection method: clinical testing. Allele origin: germline.
Comment: This sequence change replaces asparagine with aspartic acid at codon 269 of the SMARCD2 protein (p.Asn269Asp). The asparagine residue is highly conserved and there is a small physicochemical difference between asparagine and aspartic acid. This variant is not present in population databases (ExAC no frequency). This variant has not been reported in the literature in individuals affected with SMARCD2-related conditions. Algorithms developed to predict the effect of missense changes on protein structure and function are either unavailable or do not agree on the potential impact of this missense change (SIFT: "Tolerated"; PolyPhen-2: "Probably Damaging"; Align-GVGD: "Class C0"). In summary, the available evidence is currently insufficient to determine the role of this variant in disease. Therefore, it has been classified as a Variant of Uncertain Significance.